The following is an entry in ClinVar:

ClinVar aggregate classification (germline): Likely benign. Review status: criteria provided, multiple submitters, no conflicts (2 of 4 stars). 2 submissions from 2 submitters: Likely benign (2). Last evaluated 2024-10-28.

Conditions:
Autoimmune lymphoproliferative syndrome type 1. Also called: AUTOIMMUNE LYMPHOPROLIFERATIVE SYNDROME, TYPE I, AUTOSOMAL DOMINANT. Identifiers: Orphanet 3261, MedGen C2717884, MONDO:0011158, OMIM 601859.

Allele frequency attached by ClinVar (database versions not stated): gnomAD exomes 0.00001; TOPMed 0.00001; ExAC 0.00002; gnomAD 0.00001.
gnomAD v4.1: 21 of 1,613,830 alleles (0.0013%); highest among the groups gnomAD compares: South Asian, 0.0033%; no homozygotes.

Submissions (2):

Labcorp Genetics (formerly Invitae), Labcorp
Classification: Likely benign for Autoimmune lymphoproliferative syndrome. Last evaluated: 2024-10-28. Review status: criteria provided, single submitter. Criteria: Invitae Variant Classification Sherloc (09022015). Collection method: clinical testing. Allele origin: germline.

CeGaT Center for Human Genetics Tuebingen
Classification: Likely benign. Last evaluated: 2023-11-01. Review status: criteria provided, single submitter. Criteria: CeGaT Center For Human Genetics Tuebingen Variant Classification Criteria Version 2. Collection method: clinical testing. Allele origin: germline. Affected: yes. Observed: 1 variant allele.
Comment: FAS: BP4, BP7

NM_000043.6(FAS):c.246C>T (p.Cys82=)

Gene: FAS (Fas cell surface death receptor; plus strand). Cytogenetic location: 10q23.31.
Variant type: single nucleotide variant.
Coding change: c.246C>T on transcript NM_000043.6 (MANE Select); coding-DNA position 246, C replaced by T.
Protein change: p.Cys82=; no amino-acid change (cysteine 82 retained).
Molecular consequence: synonymous variant. On other transcripts: non-coding transcript variant (4).
Genome position (GRCh38, 1-based): chr10:89,007,749, C>T. VCF-style: chr10-89007749-C-T. GRCh37 (hg19) VCF-style: chr10-90767506-C-T.
Other names: c.246C>T, p.Cys82= (NM_001320619.2, NM_152871.4, NM_152872.4).
Identifiers: ClinVar variation 1155659 (VCV001155659.31), dbSNP rs777751533, ClinGen allele CA5593070.